The following is an entry in ClinVar:

ClinVar aggregate classification (germline): Uncertain significance (1 of 4 stars; one submission).

Conditions:
Epileptic encephalopathy. Identifiers: MedGen C0543888, HP:0200134.

Allele frequency attached by ClinVar (database versions not stated): gnomAD exomes 0.00001; ExAC 0.00002; gnomAD 0.00002; TOPMed 0.00002.
gnomAD v4.1: 10 of 1,613,852 alleles (0.00062%); highest among the groups gnomAD compares: Non-Finnish European, 0.00085%; no homozygotes.

Submission:

Labcorp Genetics (formerly Invitae), Labcorp
Classification: Uncertain significance for Epileptic encephalopathy. Last evaluated: 2021-08-25. Review status: criteria provided, single submitter. Criteria: Invitae Variant Classification Sherloc (09022015). Collection method: clinical testing. Allele origin: germline.
Comment: This sequence change replaces isoleucine with methionine at codon 2015 of the RYR3 protein (p.Ile2015Met). The isoleucine residue is highly conserved and there is a small physicochemical difference between isoleucine and methionine. In summary, the available evidence is currently insufficient to determine the role of this variant in disease. Therefore, it has been classified as a Variant of Uncertain Significance. Algorithms developed to predict the effect of missense changes on protein structure and function are either unavailable or do not agree on the potential impact of this missense change (SIFT: "Deleterious"; PolyPhen-2: "Benign"; Align-GVGD: "Class C0"). This variant has not been reported in the literature in individuals with RYR3-related conditions. This variant is present in population databases (rs765617465, ExAC 0.003%).

NM_001036.6(RYR3):c.6045C>G (p.Ile2015Met)

Gene: RYR3 (ryanodine receptor 3; plus strand). Cytogenetic location: 15q14.
Variant type: single nucleotide variant.
Coding change: c.6045C>G on transcript NM_001036.6 (MANE Select); coding-DNA position 6045, C replaced by G.
Protein change: p.Ile2015Met; replaces isoleucine 2015 with methionine.
Molecular consequence: missense variant.
Genome position (GRCh38, 1-based): chr15:33,696,402, C>G. VCF-style: chr15-33696402-C-G. GRCh37 (hg19) VCF-style: chr15-33988603-C-G.
Other names: c.6045C>G, p.Ile2015Met (NM_001243996.4); short protein forms I2015M.
Identifiers: ClinVar variation 952011 (VCV000952011.9), dbSNP rs765617465, ClinGen allele CA7459428.